The following is an entry in ClinVar:

ClinVar aggregate classification (germline): Uncertain significance (1 of 4 stars; one submission).

Conditions:
Cardiovascular phenotype. Identifiers: MedGen CN230736.

Allele frequency attached by ClinVar (database versions not stated): gnomAD exomes below 0.00001.
gnomAD v4.1: 5 of 1,549,580 alleles (0.00032%); highest among the groups gnomAD compares: African/African-American, 0.0014%; no homozygotes.

Submission:

Ambry Genetics
Classification: Uncertain significance for Cardiovascular phenotype. Last evaluated: 2021-12-03. Review status: criteria provided, single submitter. Criteria: Ambry Variant Classification Scheme 2023. Collection method: clinical testing. Allele origin: germline.
Comment: The p.A2044T variant (also known as c.6130G>A), located in coding exon 2 of the ZNF469 gene, results from a G to A substitution at nucleotide position 6130. The alanine at codon 2044 is replaced by threonine, an amino acid with similar properties. This amino acid position is conserved. In addition, this alteration is predicted to be tolerated by in silico analysis. Since supporting evidence is limited at this time, the clinical significance of this alteration remains unclear.

NM_001367624.2(ZNF469):c.6214G>A (p.Ala2072Thr)

Gene: ZNF469 (zinc finger protein 469; plus strand). Cytogenetic location: 16q24.2.
Variant type: single nucleotide variant.
Coding change: c.6214G>A on transcript NM_001367624.2 (MANE Select); coding-DNA position 6214, G replaced by A.
Protein change: p.Ala2072Thr; replaces alanine 2072 with threonine.
Molecular consequence: missense variant.
Genome position (GRCh38, 1-based): chr16:88,433,684, G>A. VCF-style: chr16-88433684-G-A. GRCh37 (hg19) VCF-style: chr16-88500092-G-A.
Other names: NM_001127464.1:c.6130G>A; short protein forms A2072T.
Identifiers: ClinVar variation 1751797 (VCV001751797.2), dbSNP rs770234550, ClinGen allele CA286381282.